The following is an entry in ClinVar:

NM_000051.4(ATM):c.7502A>G (p.Asn2501Ser)

Genes: C11orf65 (chromosome 11 open reading frame 65; minus strand), ATM (ATM serine/threonine kinase; plus strand). Cytogenetic location: 11q22.3.
Variant type: single nucleotide variant.
Coding change: c.7502A>G on transcript NM_000051.4 (MANE Select); coding-DNA position 7502, A replaced by G.
Protein change: p.Asn2501Ser; replaces asparagine 2501 with serine.
Molecular consequence: missense variant. On other transcripts: intron variant (2).
Genome position (GRCh38, 1-based): chr11:108,330,408, A>G. VCF-style: chr11-108330408-A-G. GRCh37 (hg19) VCF-style: chr11-108201135-A-G.
Other names: c.7502A>G, p.Asn2501Ser (NM_001351834.2); c.641-21337T>C (NM_001330368.2); c.*38+4812T>C (NM_001351110.2); short protein forms N2501S.
Identifiers: ClinVar variation 232481 (VCV000232481.48), dbSNP rs531617441, ClinGen allele CA6266116.

ClinVar aggregate classification (germline): Conflicting classifications of pathogenicity. Review status: criteria provided, conflicting classifications (1 of 4 stars). 17 submissions from 17 submitters: Uncertain significance (10); Likely benign (5). 2 of the submissions do not count toward it. Last evaluated 2026-01-23.

Conditions:
ATM-related disorder. Also called: ATM-related disorders; ATM-related condition.
Hereditary cancer-predisposing syndrome. Also called: Neoplastic Syndromes, Hereditary; Hereditary neoplastic syndrome; Tumor predisposition; Hereditary Cancer Syndrome. Identifiers: Orphanet 140162, MedGen C0027672, MeSH D009386, MONDO:0015356.
Familial cancer of breast. Also called: hereditary breast carcinoma; Hereditary breast cancer; BREAST CANCER, FAMILIAL. Identifiers: Orphanet 227535, MedGen C0346153, MONDO:0016419, OMIM 114480. Disease mechanism: loss of function.
Ataxia-telangiectasia syndrome (AT). Also called: Ataxia telangiectasia (A-T); Cerebello-oculocutaneous telangiectasia; Immunodeficiency with ataxia telangiectasia; LOUIS-BAR SYNDROME; AT, COMPLEMENTATION GROUP C; ATAXIA-TELANGIECTASIA, FRESNO VARIANT. Identifiers: Orphanet 100, MedGen C0004135, MONDO:0008840, OMIM 208900.

Allele frequency attached by ClinVar (database versions not stated): gnomAD 0.00001 and 0.00009; gnomAD exomes 0.00009 and 0.00017; ExAC 0.00019; 1000 Genomes Project 30x 0.00062; 1000 Genomes Project 0.00080; TOPMed 0.00002.
gnomAD v4.1: 145 of 1,614,146 alleles (0.009%); highest among the groups gnomAD compares: South Asian, 0.14%; no homozygotes.

Submissions (17):

Labcorp Genetics (formerly Invitae), Labcorp
Classification: Likely benign for Ataxia-telangiectasia syndrome. Last evaluated: 2026-01-23. Review status: criteria provided, single submitter. Criteria: Invitae Variant Classification Sherloc (09022015). Collection method: clinical testing. Allele origin: germline.

CeGaT Center for Human Genetics Tuebingen
Classification: Uncertain significance. Last evaluated: 2025-11-01. Review status: criteria provided, single submitter. Criteria: CeGaT Center For Human Genetics Tuebingen Variant Classification Criteria Version 2. Collection method: clinical testing. Allele origin: germline. Affected: yes. Observed: 1 variant allele.

PreventionGenetics, part of Exact Sciences
Classification: Likely benign for ATM-related condition. Last evaluated: 2025-06-19. Review status: criteria provided, single submitter. Criteria: ACMG Guidelines, 2015. Collection method: clinical testing. Allele origin: germline.
Comment: This variant is classified as likely benign based on ACMG/AMP sequence variant interpretation guidelines (Richards et al. 2015 PMID: 25741868, with internal and published modifications).

Center for Genomic Medicine, Rigshospitalet, Copenhagen University Hospital
Classification: Uncertain significance. Last evaluated: 2025-03-04. Review status: criteria provided, single submitter. Criteria: ACMG Guidelines, 2015. Collection method: clinical testing. Allele origin: germline.

GeneDx
Classification: Uncertain significance. Last evaluated: 2024-12-27. Review status: criteria provided, single submitter. Criteria: GeneDx Variant Classification Process June 2021. Collection method: clinical testing. Allele origin: germline. Affected: yes.
Comment: In silico analysis supports that this missense variant has a deleterious effect on protein structure/function; This variant is associated with the following publications: (PMID: 25326635, 30287823, 28652578, 33552952, 37277882, 36243179, 29684080, 23532176)

Neuberg Centre For Genomic Medicine, NCGM
Classification: Uncertain significance for Familial cancer of breast. Last evaluated: 2023-05-20. Review status: criteria provided, single submitter. Criteria: ACMG Guidelines, 2015. Collection method: clinical testing. Allele origin: germline. Inheritance: Autosomal dominant inheritance. Affected: yes.
Comment: The observed missense chr11:g.108201135A>G variant in ATM gene has been reported previously in heterozygous state in individual(s) affected with Indian Hereditary Breast and Ovarian Cancer (Kadri et al., 2021). This variant is reported with the allele frequency of 0.02% in the gnomAD Exomes. This variant has been reported to the ClinVar database with varying interpretation: Likely Benign / Uncertain Significance (multiple submitters). However, no details are available for independent assessment. The amino acid Asn at position 2501 is changed to a Ser changing protein sequence and it might alter its composition and physico-chemical properties. The amino acid change p.Asn2501Ser in ATM is predicted as conserved by GERP++ and PhyloP across 100 vertebrates. Computational evidence (Polyphen - Damaging, SIFT - Tolerated, and MutationTaster - Disease causing) predicts conflicting evidence on protein structure and function for this variant. For these reasons, this variant has been classified as Uncertain Significance.

Color Diagnostics, LLC DBA Color Health
Classification: Likely benign for Hereditary cancer-predisposing syndrome. Last evaluated: 2023-04-11. Review status: criteria provided, single submitter. Criteria: ACMG Guidelines, 2015. Collection method: clinical testing. Allele origin: germline.

Women's Health and Genetics/Laboratory Corporation of America, LabCorp
Classification: Likely benign. Last evaluated: 2022-06-23. Review status: criteria provided, single submitter. Criteria: LabCorp Variant Classification Summary - May 2015. Collection method: clinical testing. Allele origin: germline.
Comment: Variant summary: ATM c.7502A>G (p.Asn2501Ser) results in a conservative amino acid change located in the PIK-related kinase domain (IPR014009) of the encoded protein sequence. Three of five in-silico tools predict a damaging effect of the variant on protein function. The variant allele was found at a frequency of 0.00017 in 251096 control chromosomes, predominantly at a frequency of 0.0012 within the South Asian subpopulation in the gnomAD database. The observed variant frequency within South Asian control individuals in the gnomAD database is approximately 1.2 fold of the estimated maximal expected allele frequency for a pathogenic variant in ATM causing Breast Cancer phenotype (0.001), strongly suggesting that the variant is a benign polymorphism found primarily in populations of South Asian origin. c.7502A>G has been reported in the literature as a VUS in settings of multigene panel testing in unaffected Japanese male control individuals but not in cases affected with Breast Cancer (example, Momozawa_2018) and also in cases with breast cancer and unaffected controls in another study (example, Dorling_2021). These report(s) do not provide unequivocal conclusions about association of the variant with Breast Cancer. To our knowledge, no experimental evidence demonstrating an impact on protein function has been reported. Multiple clinical diagnostic laboratories have submitted clinical-significance assessments for this variant to ClinVar after 2014 without evidence for independent evaluation (VUS, n=10; Likely benign, n=1). Based on the evidence outlined above, the variant was classified as likely benign.

Genome-Nilou Lab
Classification: Uncertain significance for Ataxia-telangiectasia syndrome. Last evaluated: 2021-07-14. Review status: criteria provided, single submitter. Criteria: ACMG Guidelines, 2015. Collection method: clinical testing. Allele origin: germline. Affected: no.

Ambry Genetics
Classification: Likely benign for Hereditary cancer-predisposing syndrome. Last evaluated: 2021-05-28. Review status: criteria provided, single submitter. Criteria: Ambry Variant Classification Scheme 2023. Collection method: clinical testing. Allele origin: germline.

Athena Diagnostics
Classification: Uncertain significance. Last evaluated: 2021-05-11. Review status: criteria provided, single submitter. Criteria: Athena Diagnostics criteria. Collection method: clinical testing. Allele origin: unknown.

Genetic Services Laboratory, University of Chicago
Classification: Uncertain significance. Last evaluated: 2020-10-12. Review status: criteria provided, single submitter. Criteria: ACMG Guidelines, 2015. Collection method: clinical testing. Allele origin: germline. Affected: no.
Comment: DNA sequence analysis of the ATM gene demonstrated a sequence change, c.7502A>G, in exon 50 that results in an amino acid change, p.Asn2501Ser. This sequence change does not appear to have been previously described in patients with ATM-related disorders and has been described in the gnomAD database with a frequency of 0.12% in the South Asian population (dbSNP rs531617441). The p.Asn2501Ser change affects a highly conserved amino acid residue located in a domain of the ATM protein that is known to be functional. In-silico pathogenicity prediction tools (SIFT, PolyPhen2, Align GVGD, REVEL) provide contradictory results for the p.Asn2501Ser substitution. Due to these contrasting evidences and the lack of functional studies, the clinical significance of the p.Asn2501Ser change remains unknown at this time.

Fulgent Genetics
Classification: Uncertain significance for Familial cancer of breast; Ataxia-telangiectasia syndrome. Last evaluated: 2018-10-31. Review status: criteria provided, single submitter. Criteria: ACMG Guidelines, 2015. Collection method: clinical testing. Allele origin: unknown.

Illumina Laboratory Services, Illumina
Classification: Uncertain significance for Ataxia-telangiectasia syndrome. Last evaluated: 2018-01-13. Review status: criteria provided, single submitter. Criteria: ICSL Variant Classification Criteria 13 December 2019. Collection method: clinical testing. Allele origin: germline.

Baylor Genetics
Classification: Uncertain significance for Ataxia-telangiectasia syndrome. Last evaluated: 2017-09-01. Review status: criteria provided, single submitter. Criteria: ACMG Guidelines, 2015. Collection method: clinical testing. Allele origin: paternal. Inheritance: Autosomal recessive inheritance. Affected: yes.
Comment: Heterozygotes are expected to be asymptomatic carriers.

Natera, Inc.
Classification: Uncertain significance for Ataxia-telangiectasia. Last evaluated: 2020-09-16. Review status: no assertion criteria provided. Collection method: clinical testing. Allele origin: germline. Not counted in ClinVar's aggregate classification.

Department of Pathology and Laboratory Medicine, Sinai Health System
Classification: Uncertain significance. Review status: no assertion criteria provided. Collection method: clinical testing. Allele origin: unknown. Affected: yes. Study: The Canadian Open Genetics Repository (COGR). Not counted in ClinVar's aggregate classification.
Comment: The ATM p.Asn2501Ser variant was identified in the literature in 12490 male controls with frequency 0.0001 and was not identified in 11241 female controls and 53 male and 7051 female breast cancer cases (Momozawa 2018). The variant was also identified in dbSNP (ID: rs531617441) as "With Uncertain significance allele", ClinVar (classified as uncertain significance by Invitae, Ambry Genetics and five other submitters), and in LOVD 3.0 (1x). The variant was identified in control databases in 46 of 276956 chromosomes at a frequency of 0.0002 increasing the likelihood this could be a low frequency benign variant (Genome Aggregation Database Feb 27, 2017). The variant was observed in the following populations: African in 1 of 24024 chromosomes (freq: 0.00004), Other in 1 of 6460 chromosomes (freq: 0.0002), Latino in 3 of 34414 chromosomes (freq: 0.00009), European in 2 of 126472 chromosomes (freq: 0.00002), and South Asian in 39 of 30782 chromosomes (freq: 0.001), while the variant was not observed in the Ashkenazi Jewish, East Asian, and Finnish, populations. The p.Asn2501 residue is conserved in mammals and computational analyses (PolyPhen-2, SIFT, AlignGVGD, BLOSUM, MutationTaster) provide inconsistent predictions regarding the impact to the protein; this information is not very predictive of pathogenicity. The variant occurs outside of the splicing consensus sequence and in silico or computational prediction software programs (SpliceSiteFinder, MaxEntScan, NNSPLICE, GeneSplicer) do not predict a difference in splicing. In summary, based on the above information the clinical significance of this variant cannot be determined with certainty at this time. This variant is classified as a variant of uncertain significance.

Literature cited by the submitters: PubMed 30287823 (cited by 3 submitters); PubMed 25326635 (cited by Baylor Genetics).